The following is an entry in ClinVar:

ClinVar aggregate classification (germline): Uncertain significance (1 of 4 stars; one submission).

Conditions:
Neurodevelopmental disorder with microcephaly, cataracts, and renal abnormalities. Identifiers: MedGen C4693567, MONDO:0060664, OMIM 617913.

Submission:

Victorian Clinical Genetics Services, Murdoch Childrens Research Institute
Classification: Uncertain significance for Neurodevelopmental disorder with microcephaly, cataracts, and renal abnormalities. Last evaluated: 2025-04-17. Review status: criteria provided, single submitter. Criteria: ACMG Guidelines, 2015. Collection method: clinical testing. Allele origin: germline. Affected: yes.
Comment: This variant is classified as VUS-3A. Evidence in support of pathogenic classification: In-frame insertion/deletion in a non-repetitive region that has high conservation; Variant is present in gnomAD <0.01 for a recessive condition (v4: 84 heterozygote(s), 0 homozygote(s)); Heterozygous variant detected in trans with a second likely PATHOGENIC heterozygous variant (c.374_375del; p.(Phe125Tyrfs*26)) in a recessive disease. Additional information: This variant is heterozygous; This gene is associated with autosomal recessive disease; This variant has no previous evidence of pathogenicity; No published segregation evidence has been identified for this variant; No published functional evidence has been identified for this variant; No comparable in-frame deletion variants have previous evidence for pathogenicity; Variant is not located in an established domain, motif, hotspot or informative constraint region; Loss of function is a known mechanism of disease in this gene and is associated with neurodevelopmental disorder with microcephaly, cataracts, and renal abnormalities (MIM#617913).

NM_015721.3(GEMIN4):c.290TCT[1] (p.Phe98del)

Gene: GEMIN4 (gem nuclear organelle associated protein 4; minus strand). Cytogenetic location: 17p13.3.
Variant type: Microsatellite.
Coding change: c.290TCT[1] on transcript NM_015721.3 (MANE Select); one copy of the 3-base unit TCT starting at c.290; the reference has two copies in a row; one copy, 3 bases deleted; also written c.293_295del.
Protein change: p.Phe98del; deletes phenylalanine 98.
Molecular consequence: inframe deletion.
Genome position (GRCh38, 1-based): chr17:747,748-747,750, AGA deleted on the plus strand (TCT on the coding strand, the reverse complement: GEMIN4 is on the minus strand); deleting any 3 consecutive bases within chr17:747,748-747,754 gives the same sequence; the position shown is the placement nearest the transcript's 3' end. VCF-style (leftmost placement, unchanged base first): chr17-747747-GAGA-G. GRCh37 (hg19) VCF-style: chr17-650987-GAGA-G.
Other names: c.293_295del (NM_015721.3); short protein forms F98del.
Identifiers: ClinVar variation 4531678 (VCV004531678.1).